The following is an entry in ClinVar:

ClinVar aggregate classification (germline): Likely benign (1 of 4 stars; one submission).

Allele frequency attached by ClinVar (database versions not stated): gnomAD exomes below 0.00001.
gnomAD v4.1: 2 of 1,519,624 alleles (0.00013%); highest among the groups gnomAD compares: Middle Eastern, 0.018%; no homozygotes.

Submission:

CeGaT Center for Human Genetics Tuebingen
Classification: Likely benign. Last evaluated: 2022-07-01. Review status: criteria provided, single submitter. Criteria: CeGaT Center For Human Genetics Tuebingen Variant Classification Criteria Version 2. Collection method: clinical testing. Allele origin: germline. Affected: yes. Observed: 1 variant allele.
Comment: CDKN1C: PM2:Supporting, BP4, BP7

NM_001122630.2(CDKN1C):c.*111C>T

Gene: CDKN1C (cyclin dependent kinase inhibitor 1C; minus strand). Cytogenetic location: 11p15.4.
Variant type: single nucleotide variant.
Coding change: c.*111C>T on transcript NM_001122630.2 (MANE Select); 111 bases downstream of the stop codon, C replaced by T.
Molecular consequence: 3 prime UTR variant. On other transcripts: synonymous variant (1).
Genome position (GRCh38, 1-based): chr11:2,883,810, G>A on the plus strand (C>T on the coding strand, the complement: CDKN1C is on the minus strand). VCF-style: chr11-2883810-G-A. GRCh37 (hg19) VCF-style: chr11-2905040-G-A.
Other names: c.*111C>T (NM_000076.2); c.*106C>T (NM_001122631.2, NM_001362474.2); c.492C>T, p.Cys164= (NM_001362475.2).
Identifiers: ClinVar variation 2641504 (VCV002641504.24), dbSNP rs2494378021, ClinGen allele CA2612013488.